The following is an entry in ClinVar:

ClinVar aggregate classification (germline): Uncertain significance (1 of 4 stars; one submission).

Submission:

Dasa
Classification: Uncertain significance. Last evaluated: 2026-03-19. Review status: criteria provided, single submitter. Criteria: DASA Assertion Criteria. Collection method: clinical testing. Allele origin: germline.
Comment: NM_001376.5(DYNC1H1):c.8550C>G (p.Ile2850Met) is a missense variant that results in the substitution of isoleucine with methionine. Published studies describe this variant in association with related phenotype (PMID: 36636459; PMID: 32788638). Also, this variant is absent from population databases. The currently available literature and clinical evidence are not sufficient to establish a definitive association between this variant and the reported condition. Therefore, this variant is classified as a variant of uncertain significance.

Literature cited by the submitters: PubMed 36636459; PubMed 32788638.

NM_001376.5(DYNC1H1):c.8550C>G (p.Ile2850Met)

Gene: DYNC1H1 (dynein cytoplasmic 1 heavy chain 1; plus strand). Cytogenetic location: 14q32.31.
Variant type: single nucleotide variant.
Coding change: c.8550C>G on transcript NM_001376.5 (MANE Select); coding-DNA position 8550, C replaced by G.
Protein change: p.Ile2850Met; replaces isoleucine 2850 with methionine.
Molecular consequence: missense variant.
Genome position (GRCh38, 1-based): chr14:102,022,793, C>G. VCF-style: chr14-102022793-C-G. GRCh37 (hg19) VCF-style: chr14-102489130-C-G.
Other names: short protein forms I2850M.
Identifiers: ClinVar variation 4885800 (VCV004885800.2).